The following is an entry in ClinVar:

ClinVar aggregate classification (germline): Likely benign. Review status: criteria provided, multiple submitters, no conflicts (2 of 4 stars). 3 submissions from 3 submitters: Likely benign (3). Last evaluated 2025-10-22.

Conditions:
Cardiovascular phenotype. Identifiers: MedGen CN230736.
Dilated cardiomyopathy 1G (CMD1G). Identifiers: Orphanet 154, MedGen C1858763, MONDO:0011400, OMIM 604145.
Autosomal recessive limb-girdle muscular dystrophy type 2J (LGMDR10). Also called: Limb-girdle muscular dystrophy, type 2J; MUSCULAR DYSTROPHY, LIMB-GIRDLE, AUTOSOMAL RECESSIVE 10. Identifiers: Orphanet 140922, MedGen C1837342, MONDO:0012127, OMIM 608807.

Allele frequency attached by ClinVar (database versions not stated): TOPMed 0.00002; ESP Exome Variant Server 0.00008.
gnomAD v4.1: 162 of 1,613,926 alleles (0.01%); highest among the groups gnomAD compares: Non-Finnish European, 0.013%; no homozygotes.

Submissions (3):

Labcorp Genetics (formerly Invitae), Labcorp
Classification: Likely benign for Dilated cardiomyopathy 1G; Autosomal recessive limb-girdle muscular dystrophy type 2J. Last evaluated: 2025-10-22. Review status: criteria provided, single submitter. Criteria: Invitae Variant Classification Sherloc (09022015). Collection method: clinical testing. Allele origin: germline.

Ambry Genetics
Classification: Likely benign for Cardiovascular phenotype. Last evaluated: 2021-03-25. Review status: criteria provided, single submitter. Criteria: Ambry Variant Classification Scheme 2023. Collection method: clinical testing. Allele origin: germline.

GeneDx
Classification: Likely benign. Last evaluated: 2017-07-31. Review status: criteria provided, single submitter. Criteria: GeneDx Variant Classification (06012015). Collection method: clinical testing. Allele origin: germline. Affected: yes.
Comment: This variant is considered likely benign or benign based on one or more of the following criteria: it is a conservative change, it occurs at a poorly conserved position in the protein, it is predicted to be benign by multiple in silico algorithms, and/or has population frequency not consistent with disease.

NM_001267550.2(TTN):c.6870A>G (p.Val2290=)

Genes: TTN (titin; minus strand), LOC126806433 (BRD4-independent group 4 enhancer GRCh37_chr2:179638309-179639508; plus strand). Cytogenetic location: 2q31.2.
Variant type: single nucleotide variant.
Coding change: c.6870A>G on transcript NM_001267550.2 (MANE Select); coding-DNA position 6870, A replaced by G.
Protein change: p.Val2290=; no amino-acid change (valine 2290 retained).
Molecular consequence: synonymous variant.
Genome position (GRCh38, 1-based): chr2:178,774,394, T>C on the plus strand (A>G on the coding strand, the complement: TTN is on the minus strand). VCF-style: chr2-178774394-T-C. GRCh37 (hg19) VCF-style: chr2-179639121-T-C.
Other names: c.6870A>G, p.Val2290= (NM_001256850.1, NM_133378.4, NM_133379.5); c.6732A>G, p.Val2244= (NM_003319.4, NM_133432.3, NM_133437.4).
Identifiers: ClinVar variation 511250 (VCV000511250.14), dbSNP rs143578117, ClinGen allele CA2004944.